The following is an entry in ClinVar:

NM_004186.5(SEMA3F):c.544C>T (p.Arg182Cys)

Gene: SEMA3F (semaphorin 3F; plus strand). Cytogenetic location: 3p21.31.
Variant type: single nucleotide variant.
Coding change: c.544C>T on transcript NM_004186.5 (MANE Select); coding-DNA position 544, C replaced by T.
Protein change: p.Arg182Cys; replaces arginine 182 with cysteine.
Molecular consequence: missense variant. On other transcripts: intron variant (2).
Genome position (GRCh38, 1-based): chr3:50,175,183, C>T. VCF-style: chr3-50175183-C-T. GRCh37 (hg19) VCF-style: chr3-50212616-C-T.
Other names: c.252+833C>T (NM_001318798.2); c.456+833C>T (NM_001318800.2); c.544C>T (NM_004186.3); short protein forms R182C.
Identifiers: ClinVar variation 3350618 (VCV003350618.2).

ClinVar aggregate classification (germline): Uncertain significance. Review status: criteria provided, single submitter (1 of 4 stars). 2 submissions from 2 submitters: Uncertain significance (1). 1 of the submissions does not count toward it. Last evaluated 2025-09-27.

Conditions:
SEMA3F-related disorder. Also called: SEMA3F-related condition.

gnomAD v4.1: 24 of 1,590,680 alleles (0.0015%); highest among the groups gnomAD compares: African/African-American, 0.004%; no homozygotes.

Submissions (2):

Ambry Genetics
Classification: Uncertain significance. Last evaluated: 2025-09-27. Review status: criteria provided, single submitter. Criteria: Ambry Variant Classification Scheme 2023. Collection method: clinical testing. Allele origin: germline.

PreventionGenetics, part of Exact Sciences
Classification: Uncertain significance for SEMA3F-related condition. Last evaluated: 2024-09-12. Review status: no assertion criteria provided. Collection method: clinical testing. Allele origin: germline. Not counted in ClinVar's aggregate classification.
Comment: The SEMA3F c.544C>T variant is predicted to result in the amino acid substitution p.Arg182Cys. To our knowledge, this variant has not been reported in the literature. This variant is reported in 0.0011% of alleles in individuals of European (Non-Finnish) descent in gnomAD. At this time, the clinical significance of this variant is uncertain due to the absence of conclusive functional and genetic evidence.